The following is an entry in ClinVar:

ClinVar aggregate classification (germline): Benign/Likely benign. Review status: criteria provided, multiple submitters, no conflicts (2 of 4 stars). 10 submissions from 10 submitters: Benign (7); Likely benign (1). 2 of the submissions do not count toward it. Last evaluated 2026-02-04.

Conditions:
Hereditary cancer-predisposing syndrome. Also called: Tumor predisposition; Hereditary neoplastic syndrome; Neoplastic Syndromes, Hereditary; Hereditary Cancer Syndrome. Identifiers: Orphanet 140162, MedGen C0027672, MeSH D009386, MONDO:0015356.
Bloom syndrome (BLM). Also called: Bloom-Torre-Machacek syndrome. Identifiers: Orphanet 125, MedGen C0005859, MONDO:0008876, OMIM 210900.

Allele frequency attached by ClinVar (database versions not stated): gnomAD exomes 0.00048 and 0.00116; ExAC 0.00131; ESP Exome Variant Server 0.00423; gnomAD 0.00502 and 0.00541; 1000 Genomes Project 0.00519; TOPMed 0.00538; 1000 Genomes Project 30x 0.00547.
gnomAD v4.1: 1,463 of 1,564,780 alleles (0.093%); highest among the groups gnomAD compares: African/African-American, 1.8%; 14 homozygotes.

Submissions (10):

Labcorp Genetics (formerly Invitae), Labcorp
Classification: Benign for Bloom syndrome. Last evaluated: 2026-02-04. Review status: criteria provided, single submitter. Criteria: Invitae Variant Classification Sherloc (09022015). Collection method: clinical testing. Allele origin: germline.

Myriad Genetics, Inc.
Classification: Benign for Bloom syndrome. Last evaluated: 2025-12-02. Review status: criteria provided, single submitter. Criteria: Myriad Autosomal Dominant, Autosomal Recessive and X-Linked Classification Criteria (2023). Collection method: clinical testing. Allele origin: unknown.
Comment: This variant is considered benign. This variant is intronic and is not expected to impact mRNA splicing. This variant has been observed at a population frequency that is significantly greater than expected given the associated disease prevalence and penetrance.

ARUP Laboratories, Molecular Genetics and Genomics, ARUP Laboratories
Classification: Benign for Bloom syndrome. Last evaluated: 2025-01-13. Review status: criteria provided, single submitter. Criteria: ARUP Molecular Germline Variant Investigation Process 2024. Collection method: clinical testing. Allele origin: germline.

KCCC/NGS Laboratory, Kuwait Cancer Control Center
Classification: Benign for Bloom syndrome. Last evaluated: 2023-07-07. Review status: criteria provided, single submitter. Criteria: ACMG Guidelines, 2015. Collection method: clinical testing. Allele origin: germline. Affected: yes.

Fulgent Genetics
Classification: Likely benign for Bloom syndrome. Last evaluated: 2022-05-31. Review status: criteria provided, single submitter. Criteria: ACMG Guidelines, 2015. Collection method: clinical testing. Allele origin: unknown.

Illumina Laboratory Services, Illumina
Classification: Benign for Bloom syndrome. Last evaluated: 2018-01-12. Review status: criteria provided, single submitter. Criteria: ICSL Variant Classification Criteria 13 December 2019. Collection method: clinical testing. Allele origin: germline.
Comment: This variant was observed in the ICSL laboratory as part of a predisposition screen in an ostensibly healthy population. It had not been previously curated by ICSL or reported in the Human Gene Mutation Database (HGMD: prior to June 1st, 2018), and was therefore a candidate for classification through an automated scoring system. Utilizing variant allele frequency, disease prevalence and penetrance estimates, and inheritance mode, an automated score was calculated to assess if this variant is too frequent to cause the disease. Based on the score and internal cut-off values, a variant classified as benign is not then subjected to further curation. The score for this variant resulted in a classification of benign for this disease.

Genetic Services Laboratory, University of Chicago
Classification: Benign. Last evaluated: 2017-05-02. Review status: criteria provided, single submitter. Criteria: ACMG Guidelines, 2015. Collection method: clinical testing. Allele origin: germline. Affected: no.

GeneDx
Classification: Benign. Last evaluated: 2015-03-03. Review status: criteria provided, single submitter. Criteria: GeneDx Variant Classification Process June 2021. Collection method: clinical testing. Allele origin: germline. Affected: yes.

Natera, Inc.
Classification: Benign for Bloom syndrome. Last evaluated: 2018-04-06. Review status: no assertion criteria provided. Collection method: clinical testing. Allele origin: germline. Not counted in ClinVar's aggregate classification.

University of Washington Department of Laboratory Medicine, University of Washington
Classification: Likely benign for Hereditary cancer-predisposing syndrome. Last evaluated: 2015-12-01. Review status: no assertion criteria provided. Collection method: clinical testing. Allele origin: germline. Affected: yes. Not counted in ClinVar's aggregate classification.

NM_000057.4(BLM):c.2075-12G>T

Gene: BLM (BLM RecQ like helicase; plus strand). Cytogenetic location: 15q26.1.
Variant type: single nucleotide variant.
Coding change: c.2075-12G>T on transcript NM_000057.4 (MANE Select); 12 bases into the intron before coding-DNA position 2075, G replaced by T.
Molecular consequence: intron variant.
Genome position (GRCh38, 1-based): chr15:90,765,284, G>T. VCF-style: chr15-90765284-G-T. GRCh37 (hg19) VCF-style: chr15-91308514-G-T.
Other names: c.2075-12G>T (NM_001287246.2, NM_001287247.2); c.950-12G>T (NM_001287248.2).
Identifiers: ClinVar variation 223543 (VCV000223543.27), dbSNP rs28385027, ClinGen allele CA251638.
Genomic context (GRCh38, chr15:90,765,284, plus strand): 5'-TTCTTTTGTAACTTTTACATTCATGCTCTGAAGACAGAACCTGACAGATATTTTTTCATT[G>T]TTCTCTTTCAGGAGGTGGTAAGAGTTTGTGTTACCAGCTCCCTGCCTGTGTTTCTCCTGG-3'